The following is an entry in ClinVar:

ClinVar aggregate classification (germline): Uncertain significance (1 of 4 stars; one submission).

Allele frequency attached by ClinVar (database versions not stated): TOPMed 0.00038; 1000 Genomes Project 0.00040; 1000 Genomes Project 30x 0.00047; ESP Exome Variant Server 0.00054.
gnomAD v4.1: 535 of 1,605,024 alleles (0.033%); highest among the groups gnomAD compares: Non-Finnish European, 0.042%; no homozygotes.

Submission:

GeneDx
Classification: Uncertain significance. Last evaluated: 2014-08-14. Review status: criteria provided, single submitter. Criteria: GeneDx Variant Classification (06012015). Collection method: clinical testing. Allele origin: germline. Affected: yes.
Comment: c.46-8 C>A: IVS1-8 C>A in intron 1 of the TIMM44 gene (NM_006351.3) The c.46-8 C>A variant has not been published as a mutation, nor has it been reported as a benign polymorphism to our knowledge. Multiple in-silico splice prediction models predict that c.46-8 C>A damages or destroys the natural splice acceptor site in intron 1. However, the true effect of c.46-8 C>A on splicing in vivo is not known without functional studies. Therefore, based on the currently available information, it is unclear whether this variant is a pathogenic mutation or a rare benign variant. The variant is found in MITONUC-MITOP panel(s).

NM_006351.4(TIMM44):c.46-8C>A

Gene: TIMM44 (translocase of inner mitochondrial membrane 44; minus strand). Cytogenetic location: 19p13.2.
Variant type: single nucleotide variant.
Coding change: c.46-8C>A on transcript NM_006351.4 (MANE Select); 8 bases into the intron before coding-DNA position 46, C replaced by A.
Molecular consequence: intron variant.
Genome position (GRCh38, 1-based): chr19:7,941,205, G>T on the plus strand (C>A on the coding strand, the complement: TIMM44 is on the minus strand). VCF-style: chr19-7941205-G-T. GRCh37 (hg19) VCF-style: chr19-8006090-G-T.
Identifiers: ClinVar variation 215257 (VCV000215257.2), dbSNP rs192670629, ClinGen allele CA321325.